The following is an entry in ClinVar:

ClinVar aggregate classification (germline): Uncertain significance (1 of 4 stars; one submission).

Submission:

Labcorp Genetics (formerly Invitae), Labcorp
Classification: Uncertain significance. Last evaluated: 2021-10-21. Review status: criteria provided, single submitter. Criteria: Invitae Variant Classification Sherloc (09022015). Collection method: clinical testing. Allele origin: germline.
Comment: A copy number gain of the genomic region encompassing the full coding sequence of the PDE3A gene has been identified. The boundaries of this event are unknown as they extend beyond the assayed region for this gene and therefore may encompass additional genes. As the precise location of this event is unknown, it may be in tandem or it may be located elsewhere in the genome. This variant has not been reported in the literature in individuals affected with PDE3A-related conditions. In summary, the available evidence is currently insufficient to determine the role of this variant in disease. Therefore, it has been classified as a Variant of Uncertain Significance.

NC_000012.11:g.(?_20522219)_(22089608_?)dup

Genes: KCNJ8 (potassium inwardly rectifying channel subfamily J member 8; minus strand), ABCC9 (ATP binding cassette subfamily C member 9; minus strand), GOLT1B (golgi transport 1B; plus strand), GYS2 (glycogen synthase 2; minus strand), IAPP (islet amyloid polypeptide; plus strand) and 10 more. Cytogenetic location: 12p12.2-12.1.
Variant type: Duplication.
Identifiers: ClinVar variation 2423437 (VCV002423437.3).